The following is an entry in ClinVar:

NM_001173467.3(SP7):c.810C>A (p.Cys270Ter)

Gene: SP7 (Sp7 transcription factor; minus strand). Cytogenetic location: 12q13.13.
Variant type: single nucleotide variant.
Coding change: c.810C>A on transcript NM_001173467.3 (MANE Select); coding-DNA position 810, C replaced by A.
Protein change: p.Cys270Ter; replaces cysteine 270 with a stop codon.
Molecular consequence: nonsense.
Genome position (GRCh38, 1-based): chr12:53,328,632, G>T on the plus strand (C>A on the coding strand, the complement: SP7 is on the minus strand). VCF-style: chr12-53328632-G-T. GRCh37 (hg19) VCF-style: chr12-53722416-G-T.
Other names: c.810C>A (NM_001173467.2); c.756C>A, p.Cys252Ter (NM_001300837.2); c.810C>A, p.Cys270Ter (NM_152860.2); short protein forms C252*, C270*.
Identifiers: ClinVar variation 3572974 (VCV003572974.2).

ClinVar aggregate classification (germline): Conflicting classifications of pathogenicity. Review status: criteria provided, conflicting classifications (1 of 4 stars). 2 submissions from 2 submitters: Likely pathogenic (1); Uncertain significance (1). Last evaluated 2025-09-30.

Conditions:
SP7-related disorder. Also called: SP7-related condition.
Osteogenesis imperfecta type 12 (OI12). Also called: OI, TYPE XII; Osteogenesis imperfecta, type XII. Identifiers: Orphanet 666, MedGen C3151433, MONDO:0013460, OMIM 613849.

Submissions (2):

PreventionGenetics, part of Exact Sciences
Classification: Uncertain significance for SP7-related condition. Last evaluated: 2025-09-30. Review status: criteria provided, single submitter. Criteria: ACMG Guidelines, 2015. Collection method: clinical testing. Allele origin: germline.
Comment: The SP7 c.810C>A variant is predicted to result in premature protein termination (p.Cys270*). To our knowledge, this variant has not been reported in the literature or in a large population database (gnomAD), indicating this variant is rare. Notably, this variant has been reported in the homozygous state in an individual with osteogenesis imperfecta type XII in ClinVar (Variation ID: 3572974). However, early termination and other loss of function variants have not been conclusively established as a mechanism of SP7-related disease. Although we suspect that this variant may be pathogenic, at this time this variant is interpreted as uncertain.

MVZ Martinsried, Medicover Genetics
Classification: Likely pathogenic for Osteogenesis imperfecta type 12. Last evaluated: 2024-12-10. Review status: criteria provided, single submitter. Criteria: ACGS Guidelines, 2020. Collection method: clinical testing. Allele origin: inherited. Affected: yes. Observed: 1 homozygote.